The following is an entry in ClinVar:

NC_000019.9:g.(?_41850632)_(41854380_?)del

Gene: TGFB1 (transforming growth factor beta 1; minus strand). Cytogenetic location: 19q13.2.
Variant type: Deletion.
Identifiers: ClinVar variation 2423342 (VCV002423342.4).

ClinVar aggregate classification (germline): Uncertain significance (1 of 4 stars; one submission).

Submission:

Labcorp Genetics (formerly Invitae), Labcorp
Classification: Uncertain significance. Last evaluated: 2023-10-13. Review status: criteria provided, single submitter. Criteria: Invitae Variant Classification Sherloc (09022015). Collection method: clinical testing. Allele origin: germline.
Comment: This variant is a gross deletion of the genomic region encompassing exon(s) 2-3 of the TGFB1 gene. This variant would be expected to be in-frame, preserving the integrity of the reading frame. This variant has not been reported in the literature in individuals affected with TGFB1-related conditions. Experimental studies and prediction algorithms are not available or were not evaluated, and the functional significance of this variant is currently unknown. In summary, the available evidence is currently insufficient to determine the role of this variant in disease. Therefore, it has been classified as a Variant of Uncertain Significance.